The following is an entry in ClinVar:

NM_000355.4(TCN2):c.787C>G (p.Leu263Val)

Gene: TCN2 (transcobalamin 2; plus strand). Cytogenetic location: 22q12.2.
Variant type: single nucleotide variant.
Coding change: c.787C>G on transcript NM_000355.4 (MANE Select); coding-DNA position 787, C replaced by G.
Protein change: p.Leu263Val; replaces leucine 263 with valine.
Molecular consequence: missense variant.
Genome position (GRCh38, 1-based): chr22:30,615,634, C>G. VCF-style: chr22-30615634-C-G. GRCh37 (hg19) VCF-style: chr22-31011621-C-G.
Other names: c.706C>G, p.Leu236Val (NM_001184726.2); short protein forms L263V, L236V.
Identifiers: ClinVar variation 852387 (VCV000852387.6), dbSNP rs201848801, ClinGen allele CA10184851.

ClinVar aggregate classification (germline): Uncertain significance (1 of 4 stars; one submission).

Conditions:
Transcobalamin II deficiency (TCN2D). Also called: TC II DEFICIENCY; TCN2 DEFICIENCY; Transcolabamin II deficiency. Identifiers: Orphanet 859, MedGen C0342701, MONDO:0010149, OMIM 275350.

Allele frequency attached by ClinVar (database versions not stated): ExAC 0.00002; gnomAD exomes 0.00003; TOPMed 0.00010.
gnomAD v4.1: 112 of 1,614,072 alleles (0.0069%); highest among the groups gnomAD compares: Non-Finnish European, 0.0092%; no homozygotes.

Submission:

Labcorp Genetics (formerly Invitae), Labcorp
Classification: Uncertain significance for Transcobalamin II deficiency. Last evaluated: 2024-11-11. Review status: criteria provided, single submitter. Criteria: Invitae Variant Classification Sherloc (09022015). Collection method: clinical testing. Allele origin: germline.
Comment: This sequence change replaces leucine, which is neutral and non-polar, with valine, which is neutral and non-polar, at codon 263 of the TCN2 protein (p.Leu263Val). This variant is present in population databases (rs201848801, gnomAD 0.006%). This variant has not been reported in the literature in individuals affected with TCN2-related conditions. ClinVar contains an entry for this variant (Variation ID: 852387). Invitae Evidence Modeling of protein sequence and biophysical properties (such as structural, functional, and spatial information, amino acid conservation, physicochemical variation, residue mobility, and thermodynamic stability) indicates that this missense variant is expected to disrupt TCN2 protein function with a positive predictive value of 80%. In summary, the available evidence is currently insufficient to determine the role of this variant in disease. Therefore, it has been classified as a Variant of Uncertain Significance.